The following is an entry in ClinVar:

NM_018909.4(PCDHA6):c.2283G>A (p.Gly761=)

Genes: PCDHA1 (protocadherin alpha 1; plus strand), PCDHA2 (protocadherin alpha 2; plus strand), PCDHA3 (protocadherin alpha 3; plus strand), PCDHA4 (protocadherin alpha 4; plus strand), PCDHA5 (protocadherin alpha 5; plus strand) and 2 more. Cytogenetic location: 5q31.3.
Variant type: single nucleotide variant.
Coding change: c.2283G>A on transcript NM_018909.4 (MANE Select); coding-DNA position 2283, G replaced by A.
Protein change: p.Gly761=; no amino-acid change (glycine 761 retained).
Molecular consequence: synonymous variant. On other transcripts: intron variant (7).
Genome position (GRCh38, 1-based): chr5:140,830,374, G>A. VCF-style: chr5-140830374-G-A. GRCh37 (hg19) VCF-style: chr5-140209959-G-A.
Other names: c.2283G>A, p.Gly761= (NM_031848.3); c.2394+41690G>A (NM_018900.4); c.1602+42482G>A (NM_031411.3); c.2388+33022G>A (NM_018905.3); c.2394+26783G>A (NM_018906.3); c.2385+20802G>A (NM_018907.4); c.2352+6247G>A (NM_018908.3); c.1602+681G>A (NM_031849.3).
Identifiers: ClinVar variation 2655761 (VCV002655761.22), dbSNP rs150255684, ClinGen allele CA3448727.

ClinVar aggregate classification (germline): Likely benign (1 of 4 stars; one submission).

Allele frequency attached by ClinVar (database versions not stated): 1000 Genomes Project 30x 0.00047; gnomAD 0.00061; TOPMed 0.00074.
gnomAD v4.1: 1,975 of 1,614,156 alleles (0.12%); highest among the groups gnomAD compares: Non-Finnish European, 0.16%; 3 homozygotes.

Submission:

CeGaT Center for Human Genetics Tuebingen
Classification: Likely benign. Last evaluated: 2022-09-01. Review status: criteria provided, single submitter. Criteria: CeGaT Center For Human Genetics Tuebingen Variant Classification Criteria Version 2. Collection method: clinical testing. Allele origin: germline. Affected: yes. Observed: 1 variant allele.
Comment: PCDHA6: BP4, BP7